The following is an entry in ClinVar:

ClinVar aggregate classification (germline): Likely pathogenic (1 of 4 stars; one submission).

Submission:

Labcorp Genetics (formerly Invitae), Labcorp
Classification: Likely pathogenic. Last evaluated: 2023-04-06. Review status: criteria provided, single submitter. Criteria: Invitae Variant Classification Sherloc (09022015). Collection method: clinical testing. Allele origin: germline.
Comment: This variant is not present in population databases (gnomAD no frequency). This sequence change affects an acceptor splice site in intron 12 of the TG gene. It is expected to disrupt RNA splicing. Variants that disrupt the donor or acceptor splice site typically lead to a loss of protein function (PMID: 16199547), and loss-of-function variants in TG are known to be pathogenic (PMID: 19837936, 23164529). In summary, the currently available evidence indicates that the variant is pathogenic, but additional data are needed to prove that conclusively. Therefore, this variant has been classified as Likely Pathogenic. Algorithms developed to predict the effect of sequence changes on RNA splicing suggest that this variant may disrupt the consensus splice site. This variant has not been reported in the literature in individuals affected with TG-related conditions.

Literature cited by the submitters: PubMed 16199547; PubMed 19837936; PubMed 23164529.

NM_003235.5(TG):c.3140-2A>G

Gene: TG (thyroglobulin; plus strand). Cytogenetic location: 8q24.22.
Variant type: single nucleotide variant.
Coding change: c.3140-2A>G on transcript NM_003235.5 (MANE Select); the canonical splice acceptor site of the intron before coding-DNA position 3140, A replaced by G.
Molecular consequence: splice acceptor variant.
Genome position (GRCh38, 1-based): chr8:132,898,167, A>G. VCF-style: chr8-132898167-A-G. GRCh37 (hg19) VCF-style: chr8-133910412-A-G.
Identifiers: ClinVar variation 2805748 (VCV002805748.3), dbSNP rs1284462718, ClinGen allele CA372240573.